The following is an entry in ClinVar:

ClinVar aggregate classification (germline): Uncertain significance (1 of 4 stars; one submission).

gnomAD v4.1: 4 of 1,587,986 alleles (0.00025%); highest among the groups gnomAD compares: Middle Eastern, 0.053%; no homozygotes.

Submission:

ARUP Laboratories, Molecular Genetics and Genomics, ARUP Laboratories
Classification: Uncertain significance. Last evaluated: 2018-09-16. Review status: criteria provided, single submitter. Criteria: ARUP Molecular Germline Variant Investigation Process. Collection method: clinical testing. Allele origin: germline.
Comment: The p.Ser955Arg variant has not been reported in the medical literature, gene specific variation databases, nor has it been previously identified by our laboratory. It is absent from general population databases such as 1000 Genomes, NHLBI GO Exome Sequencing Project (ESP), and the Genome Aggregation Database (gnomAD). The serine at position 955 is highly conserved and computational analyses of the p.Ser955Arg variant on protein structure and function indicate a neutral effect (SIFT: neutral, PolyPhen-2: benign). Altogether, there is not enough evidence to classify the p.Ser955Arg variant with certainty.

NM_001145809.2(MYH14):c.2988C>G (p.Ser996Arg)

Gene: MYH14 (myosin heavy chain 14; plus strand). Cytogenetic location: 19q13.33.
Variant type: single nucleotide variant.
Coding change: c.2988C>G on transcript NM_001145809.2 (MANE Select); coding-DNA position 2988, C replaced by G.
Protein change: p.Ser996Arg; replaces serine 996 with arginine.
Molecular consequence: missense variant.
Genome position (GRCh38, 1-based): chr19:50,268,322, C>G. VCF-style: chr19-50268322-C-G. GRCh37 (hg19) VCF-style: chr19-50771579-C-G.
Other names: c.2889C>G, p.Ser963Arg (NM_001077186.2); c.2865C>G, p.Ser955Arg (NM_024729.4); short protein forms S955R, S963R, S996R.
Identifiers: ClinVar variation 811747 (VCV000811747.8), dbSNP rs368160641, ClinGen allele CA406948927.